The following is an entry in ClinVar:

ClinVar aggregate classification (germline): Conflicting classifications of pathogenicity. Review status: criteria provided, conflicting classifications (1 of 4 stars). 7 submissions from 7 submitters: Uncertain significance (2); Benign (1); Likely benign (4). Last evaluated 2026-07-01.

Conditions:
Peroxisome biogenesis disorder 12A (Zellweger). Also called: Peroxisome biogenesis disorder 12A. Identifiers: Orphanet 912, MedGen C3554002, MONDO:0013951, OMIM 614886.

Allele frequency attached by ClinVar (database versions not stated): 1000 Genomes Project 30x 0.00016; 1000 Genomes Project 0.00020; gnomAD exomes 0.00086 and 0.00098; gnomAD 0.00088 and 0.00093; ExAC 0.00103; TOPMed 0.00112; ESP Exome Variant Server 0.00123.
gnomAD v4.1: 1,396 of 1,614,034 alleles (0.086%); highest among the groups gnomAD compares: Non-Finnish European, 0.091%; 3 homozygotes.

Submissions (7):

CeGaT Center for Human Genetics Tuebingen
Classification: Likely benign. Last evaluated: 2026-07-01. Review status: criteria provided, single submitter. Criteria: CeGaT Center For Human Genetics Tuebingen Variant Classification Criteria Version 2. Collection method: clinical testing. Allele origin: germline. Affected: yes. Observed: 5 variant alleles.
Comment: PEX19: BP4, BS2

Labcorp Genetics (formerly Invitae), Labcorp
Classification: Benign for Peroxisome biogenesis disorder 12A (Zellweger). Last evaluated: 2026-02-04. Review status: criteria provided, single submitter. Criteria: Invitae Variant Classification Sherloc (09022015). Collection method: clinical testing. Allele origin: germline.

Laboratory of Genetics, Children's Clinical University Hospital Latvia
Classification: Likely benign. Last evaluated: 2025-02-16. Review status: criteria provided, single submitter. Criteria: ACMG Guidelines, 2015. Collection method: clinical testing. Allele origin: germline. Affected: yes.

Blueprint Genetics
Classification: Likely benign. Last evaluated: 2024-11-20. Review status: criteria provided, single submitter. Criteria: ACMG Guidelines, 2015. Collection method: clinical testing. Allele origin: germline.

Baylor Genetics
Classification: Uncertain significance for Peroxisome biogenesis disorder 12A (Zellweger). Last evaluated: 2018-02-21. Review status: criteria provided, single submitter. Criteria: ACMG Guidelines, 2015. Collection method: clinical testing. Allele origin: unknown. Affected: yes.
Comment: This variant was determined to be of uncertain significance according to ACMG Guidelines, 2015 [PMID:25741868].

Illumina Laboratory Services, Illumina
Classification: Uncertain significance for Peroxisome biogenesis disorder 12A (Zellweger). Last evaluated: 2018-01-13. Review status: criteria provided, single submitter. Criteria: ICSL Variant Classification Criteria 13 December 2019. Collection method: clinical testing. Allele origin: germline.

Eurofins Ntd Llc (ga)
Classification: Likely benign. Last evaluated: 2017-05-02. Review status: criteria provided, single submitter. Criteria: EGL Classification Definitions 2015. Collection method: clinical testing. Allele origin: germline. Observed: 2 variant alleles, 2 heterozygotes.

NM_002857.4(PEX19):c.16G>A (p.Glu6Lys)

Gene: PEX19 (peroxisomal biogenesis factor 19; minus strand). Cytogenetic location: 1q23.2.
Variant type: single nucleotide variant.
Coding change: c.16G>A on transcript NM_002857.4 (MANE Select); coding-DNA position 16, G replaced by A.
Protein change: p.Glu6Lys; replaces glutamic acid 6 with lysine.
Molecular consequence: missense variant. On other transcripts: non-coding transcript variant (2).
Genome position (GRCh38, 1-based): chr1:160,285,109, C>T on the plus strand (G>A on the coding strand, the complement: PEX19 is on the minus strand). VCF-style: chr1-160285109-C-T. GRCh37 (hg19) VCF-style: chr1-160254899-C-T.
Other names: c.16G>A, p.Glu6Lys (NM_001193644.1); short protein forms E6K.
Identifiers: ClinVar variation 287774 (VCV000287774.64), dbSNP rs145845197, ClinGen allele CA1197520.
Genomic context (GRCh38, chr1:160,285,109, plus strand): 5'-TCTTACTTTCCAGAAGCTCCTCCAATTCCCTGTCCGCTTCGGCCCCGACACTACAGCCTT[C>T]CTCAGCGGCGGCCATCTTGCTACCTCCGACTTGCCGTAGGAGGCGGGACCTCCTCGGTGC-3'
Protein context (NP_002848.1, residues 1-16): MAAAE[Glu6Lys]GCSVGAEADR